The following is an entry in ClinVar:

ClinVar aggregate classification (germline): Uncertain significance (1 of 4 stars; one submission).

Conditions:
Charcot-Marie-Tooth disease type 2. Also called: Charcot-Marie-Tooth type 2. Identifiers: Orphanet 64746, MedGen C0270914, MONDO:0018993.

Submission:

Labcorp Genetics (formerly Invitae), Labcorp
Classification: Uncertain significance for Charcot-Marie-Tooth disease type 2. Last evaluated: 2022-06-12. Review status: criteria provided, single submitter. Criteria: Invitae Variant Classification Sherloc (09022015). Collection method: clinical testing. Allele origin: germline.
Comment: In summary, the available evidence is currently insufficient to determine the role of this variant in disease. Therefore, it has been classified as a Variant of Uncertain Significance. Experimental studies and prediction algorithms are not available or were not evaluated, and the functional significance of this variant is currently unknown. This missense change has been observed in individual(s) with Charcot-Marie-Tooth disease (PMID: 32376792). Information on the frequency of this variant in the gnomAD database is not available, as this variant may be reported differently in the database. This sequence change replaces leucine, which is neutral and non-polar, with valine, which is neutral and non-polar, at codon 32 of the GARS protein (p.Leu32Val).

Literature cited by the submitters: PubMed 32376792.

NM_002047.4(GARS1):c.93_94delinsCG (p.Leu32Val)

Gene: GARS1 (glycyl-tRNA synthetase 1; plus strand). Cytogenetic location: 7p14.3.
Variant type: Indel.
Coding change: c.93_94delinsCG on transcript NM_002047.4 (MANE Select); coding-DNA positions 93 to 94, GC replaced by CG.
Protein change: p.Leu32Val; replaces leucine 32 with valine.
Molecular consequence: missense variant. On other transcripts: 5 prime UTR variant (1).
Genome position (GRCh38, 1-based): chr7:30,595,014-30,595,015, GC replaced by CG. VCF-style: chr7-30595014-GC-CG. GRCh37 (hg19) VCF-style: chr7-30634630-GC-CG.
Other names: c.-70_-69delinsCG (NM_001316772.1); short protein forms L32V.
Identifiers: ClinVar variation 2005148 (VCV002005148.4), dbSNP rs2534280613, ClinGen allele CA2580077038.